The following is an entry in ClinVar:

ClinVar aggregate classification (germline): Likely benign (1 of 4 stars; one submission).

Submission:

Laboratory for Molecular Medicine, Mass General Brigham Personalized Medicine
Classification: Likely benign. Last evaluated: 2017-03-16. Review status: criteria provided, single submitter. Criteria: LMM Criteria. Collection method: clinical testing. Allele origin: germline. Observed: 1 variant allele.
Comment: p.Pro199Pro in exon 2 of GRXCR1: This variant is not expected to have clinical s ignificance because it does not alter an amino acid residue and is not located w ithin the splice consensus sequence.

NM_001080476.3(GRXCR1):c.597T>A (p.Pro199=)

Gene: GRXCR1 (glutaredoxin and cysteine rich domain containing 1; plus strand). Cytogenetic location: 4p13.
Variant type: single nucleotide variant.
Coding change: c.597T>A on transcript NM_001080476.3 (MANE Select); coding-DNA position 597, T replaced by A.
Protein change: p.Pro199=; no amino-acid change (proline 199 retained).
Molecular consequence: synonymous variant.
Genome position (GRCh38, 1-based): chr4:42,963,104, T>A. VCF-style: chr4-42963104-T-A. GRCh37 (hg19) VCF-style: chr4-42965121-T-A.
Identifiers: ClinVar variation 517268 (VCV000517268.4), dbSNP rs1553941946, ClinGen allele CA439191742.